The following is an entry in ClinVar:

ClinVar aggregate classification (germline): Uncertain significance (1 of 4 stars; one submission).

Conditions:
Nephronophthisis 15 (NPHP15). Identifiers: Orphanet 3156, MedGen C3541853, MONDO:0013917, OMIM 614845.

Allele frequency attached by ClinVar (database versions not stated): gnomAD exomes below 0.00001; TOPMed below 0.00001.
gnomAD v4.1: 1 of 1,609,784 alleles (0.000062%); highest among the groups gnomAD compares: Non-Finnish European, 0.000085%; no homozygotes.

Submission:

Labcorp Genetics (formerly Invitae), Labcorp
Classification: Uncertain significance for Nephronophthisis 15. Last evaluated: 2022-02-11. Review status: criteria provided, single submitter. Criteria: Invitae Variant Classification Sherloc (09022015). Collection method: clinical testing. Allele origin: germline.
Comment: The frequency data for this variant in the population databases is considered unreliable, as metrics indicate poor data quality at this position in the gnomAD database. This sequence change replaces proline, which is neutral and non-polar, with leucine, which is neutral and non-polar, at codon 485 of the CEP164 protein (p.Pro485Leu). In summary, the available evidence is currently insufficient to determine the role of this variant in disease. Therefore, it has been classified as a Variant of Uncertain Significance. Algorithms developed to predict the effect of missense changes on protein structure and function output the following: SIFT: "Tolerated"; PolyPhen-2: "Benign"; Align-GVGD: "Class C0". The leucine amino acid residue is found in multiple mammalian species, which suggests that this missense change does not adversely affect protein function. This variant has not been reported in the literature in individuals affected with CEP164-related conditions.

NM_014956.5(CEP164):c.1454C>T (p.Pro485Leu)

Gene: CEP164 (centrosomal protein 164; plus strand). Cytogenetic location: 11q23.3.
Variant type: single nucleotide variant.
Coding change: c.1454C>T on transcript NM_014956.5 (MANE Select); coding-DNA position 1454, C replaced by T.
Protein change: p.Pro485Leu; replaces proline 485 with leucine.
Molecular consequence: missense variant.
Genome position (GRCh38, 1-based): chr11:117,381,745, C>T. VCF-style: chr11-117381745-C-T. GRCh37 (hg19) VCF-style: chr11-117252461-C-T.
Other names: c.1463C>T, p.Pro488Leu (NM_001271933.2); short protein forms P488L, P485L.
Identifiers: ClinVar variation 1982606 (VCV001982606.4), dbSNP rs1277555628, ClinGen allele CA382742390.
Genomic context (GRCh38, chr11:117,381,745, plus strand): 5'-TGCCCGGCCTGACCAGGTTATCTCCTCCACTTCCACACGAGGAGCGGGCCCAGAGTCCCC[C>T]TCGCAGCCTGGCCACTGAAGAAGAGCCTCCCCAGGGCCCCGAGGGGCAGCCCGAGTGGAA-3'
Protein context (NP_055771.4, residues 475-495): LPHEERAQSP[Pro485Leu]RSLATEEEPP